The following is an entry in ClinVar:

NM_153816.6(SNX14):c.1832G>C (p.Trp611Ser)

Gene: SNX14 (sorting nexin 14; minus strand). Cytogenetic location: 6q14.3.
Variant type: single nucleotide variant.
Coding change: c.1832G>C on transcript NM_153816.6 (MANE Select); coding-DNA position 1832, G replaced by C.
Protein change: p.Trp611Ser; replaces tryptophan 611 with serine.
Molecular consequence: missense variant. On other transcripts: non-coding transcript variant (6).
Genome position (GRCh38, 1-based): chr6:85,530,254, C>G on the plus strand (G>C on the coding strand, the complement: SNX14 is on the minus strand). VCF-style: chr6-85530254-C-G. GRCh37 (hg19) VCF-style: chr6-86239972-C-G.
Other names: c.1805G>C, p.Trp602Ser (NM_001297614.3, NM_001350541.2); c.1676G>C, p.Trp559Ser (NM_001304479.2); c.1895G>C, p.Trp632Ser (NM_001350532.2); c.1829G>C, p.Trp610Ser (NM_001350533.2, NM_001350535.2); c.1802G>C, p.Trp601Ser (NM_001350534.2); c.1700G>C, p.Trp567Ser (NM_001350536.2); c.1697G>C, p.Trp566Ser (NM_001350537.2); c.1688G>C, p.Trp563Ser (NM_001350538.2); and 9 more; short protein forms W217S, W226S, W261S, W463S, W511S, W514S, W515S, W558S.
Identifiers: ClinVar variation 1329713 (VCV001329713.2), dbSNP rs2127989887, ClinGen allele CA364902797.

ClinVar aggregate classification (germline): Uncertain significance (1 of 4 stars; one submission).

Allele frequency attached by ClinVar (database versions not stated): gnomAD exomes below 0.00001.
gnomAD v4.1: 1 of 1,600,150 alleles (0.000062%); highest among the groups gnomAD compares: African/African-American, 0.0013%; no homozygotes.

Submission:

GeneDx
Classification: Uncertain significance. Last evaluated: 2021-06-25. Review status: criteria provided, single submitter. Criteria: GeneDx Variant Classification Process June 2021. Collection method: clinical testing. Allele origin: germline. Affected: yes.
Comment: Not observed at significant frequency in large population cohorts (Lek et al., 2016); In silico analysis supports that this missense variant has a deleterious effect on protein structure/function; Has not been previously published as pathogenic or benign to our knowledge; This variant is associated with the following publications: (PMID: 27535533)